The following is an entry in ClinVar:

NM_005210.4(CRYGB):c.331A>C (p.Ile111Leu)

Genes: CRYGB (crystallin gamma B; minus strand), LOC100507443 (uncharacterized LOC100507443; plus strand). Cytogenetic location: 2q33.3.
Variant type: single nucleotide variant.
Coding change: c.331A>C on transcript NM_005210.4 (MANE Select); coding-DNA position 331, A replaced by C.
Protein change: p.Ile111Leu; replaces isoleucine 111 with leucine.
Molecular consequence: missense variant.
Genome position (GRCh38, 1-based): chr2:208,142,835, T>G on the plus strand (A>C on the coding strand, the complement: CRYGB is on the minus strand). VCF-style: chr2-208142835-T-G. GRCh37 (hg19) VCF-style: chr2-209007559-T-G.
Other names: short protein forms I111L.
Identifiers: ClinVar variation 677166 (VCV000677166.14), dbSNP rs796287, ClinGen allele CA2078073.
Genomic context (GRCh38, chr2:208,142,835, plus strand): 5'-TGCCCTCCAGCACATTGAGGGAGTGAATTTCAGTGAGGTGGAAGCGGTCCTGAACAGAGA[T>G]ACAGTCGTCTGTGAGCTCTGACATTTGTCCCCTCAATTCATCTCTGTCGTAGATCTTCAT-3'
Protein context (NP_005201.2, residues 101-121): GQMSELTDDC[Ile111Leu]SVQDRFHLTE

ClinVar aggregate classification (germline): Benign. Review status: criteria provided, multiple submitters, no conflicts (2 of 4 stars). 4 submissions from 4 submitters: Benign (4). Last evaluated 2026-01-28.

Conditions:
Cataract 39 multiple types. Also called: Cataract 39, multiple types, autosomal dominant. Identifiers: Orphanet 91492, MedGen C3808800, MONDO:0014075, OMIM 615188.

Allele frequency attached by ClinVar (database versions not stated): 1000 Genomes Project 30x 0.63819; 1000 Genomes Project 0.64457; TOPMed 0.68325; gnomAD exomes 0.68464; ExAC 0.68851; gnomAD 0.69550 and 0.69716; ESP Exome Variant Server 0.71598.
gnomAD v4.1: 1,167,097 of 1,613,576 alleles (72%); highest among the groups gnomAD compares: Non-Finnish European, 74%; 424,582 homozygotes.

Submissions (4):

Labcorp Genetics (formerly Invitae), Labcorp
Classification: Benign for Cataract 39 multiple types. Last evaluated: 2026-01-28. Review status: criteria provided, single submitter. Criteria: Invitae Variant Classification Sherloc (09022015). Collection method: clinical testing. Allele origin: germline.

Genome-Nilou Lab
Classification: Benign for Cataract 39 multiple types. Last evaluated: 2021-07-30. Review status: criteria provided, single submitter. Criteria: ACMG Guidelines, 2015. Collection method: clinical testing. Allele origin: germline. Affected: no.

GeneDx
Classification: Benign. Last evaluated: 2018-03-24. Review status: criteria provided, single submitter. Criteria: GeneDx Variant Classification (06012015). Collection method: clinical testing. Allele origin: germline. Affected: yes.
Comment: This variant is considered likely benign or benign based on one or more of the following criteria: it is a conservative change, it occurs at a poorly conserved position in the protein, it is predicted to be benign by multiple in silico algorithms, and/or has population frequency not consistent with disease.

Breakthrough Genomics
Classification: Benign. Review status: criteria provided, single submitter. Criteria: ACMG Guidelines, 2015. Collection method: not provided. Allele origin: germline. Inheritance: Autosomal dominant inheritance. Affected: yes.